The following is an entry in ClinVar:

ClinVar aggregate classification (germline): Uncertain significance (1 of 4 stars; one submission).

Conditions:
Inborn genetic diseases. Identifiers: MedGen C0950123, MeSH D030342.

Submission:

Ambry Genetics
Classification: Uncertain significance for Inborn genetic diseases. Last evaluated: 2022-02-07. Review status: criteria provided, single submitter. Criteria: Ambry Variant Classification Scheme 2023. Collection method: clinical testing. Allele origin: germline.
Comment: The p.N980T variant (also known as c.2939A>C), located in coding exon 14 of the ATR gene, results from an A to C substitution at nucleotide position 2939. The asparagine at codon 980 is replaced by threonine, an amino acid with similar properties. This amino acid position is conserved. In addition, this alteration is predicted to be tolerated by in silico analysis. Since supporting evidence is limited at this time, the clinical significance of this alteration remains unclear.

NM_001184.4(ATR):c.2939A>C (p.Asn980Thr)

Gene: ATR (ATR checkpoint kinase; minus strand). Cytogenetic location: 3q23.
Variant type: single nucleotide variant.
Coding change: c.2939A>C on transcript NM_001184.4 (MANE Select); coding-DNA position 2939, A replaced by C.
Protein change: p.Asn980Thr; replaces asparagine 980 with threonine.
Molecular consequence: missense variant.
Genome position (GRCh38, 1-based): chr3:142,550,169, T>G on the plus strand (A>C on the coding strand, the complement: ATR is on the minus strand). VCF-style: chr3-142550169-T-G. GRCh37 (hg19) VCF-style: chr3-142269011-T-G.
Other names: c.2747A>C, p.Asn916Thr (NM_001354579.2); short protein forms N916T, N980T.
Identifiers: ClinVar variation 1797880 (VCV001797880.2), dbSNP rs2473366618, ClinGen allele CA354812699.
Genomic context (GRCh38, chr3:142,550,169, plus strand): 5'-GTGAACTATATGTTGCAACTTACAGTAAGAAAACGATTAAGATCAGGAAAGTCGAAAACG[T>G]TGGCAATTTCAGACAACGTATTTAAAGCCATTTCTCTCTGGTGAGCCACATCTTGTTTTC-3'
Protein context (NP_001175.2, residues 970-990): MALNTLSEIA[Asn980Thr]VFDFPDLNRF